The following is an entry in ClinVar:

NM_000257.4(MYH7):c.2534G>C (p.Arg845Thr)

Genes: MYH7 (myosin heavy chain 7; minus strand), LOC126861898 (BRD4-independent group 4 enhancer GRCh37_chr14:23893609-23894808; plus strand). Cytogenetic location: 14q11.2.
Variant type: single nucleotide variant.
Coding change: c.2534G>C on transcript NM_000257.4 (MANE Select); coding-DNA position 2534, G replaced by C.
Protein change: p.Arg845Thr; replaces arginine 845 with threonine.
Molecular consequence: missense variant.
Genome position (GRCh38, 1-based): chr14:23,424,914, C>G on the plus strand (G>C on the coding strand, the complement: MYH7 is on the minus strand). VCF-style: chr14-23424914-C-G. GRCh37 (hg19) VCF-style: chr14-23894123-C-G.
Other names: c.2534G>C, p.Arg845Thr (NM_001407004.1); short protein forms R845T.
Identifiers: ClinVar variation 3627202 (VCV003627202.2).

ClinVar aggregate classification (germline): Uncertain significance (1 of 4 stars; one submission).

Conditions:
Hypertrophic cardiomyopathy. Also called: HYPERTROPHIC MYOCARDIOPATHY. Identifiers: Orphanet 217569, MedGen C0007194, MeSH D002312, MONDO:0005045, HP:0001639.

Submission:

Labcorp Genetics (formerly Invitae), Labcorp
Classification: Uncertain significance for Hypertrophic cardiomyopathy. Last evaluated: 2024-12-02. Review status: criteria provided, single submitter. Criteria: Invitae Variant Classification Sherloc (09022015). Collection method: clinical testing. Allele origin: germline.
Comment: This sequence change replaces arginine, which is basic and polar, with threonine, which is neutral and polar, at codon 845 of the MYH7 protein (p.Arg845Thr). This variant is not present in population databases (gnomAD no frequency). This variant has not been reported in the literature in individuals affected with MYH7-related conditions. Invitae Evidence Modeling of protein sequence and biophysical properties (such as structural, functional, and spatial information, amino acid conservation, physicochemical variation, residue mobility, and thermodynamic stability) indicates that this missense variant is not expected to disrupt MYH7 protein function with a negative predictive value of 95%. In summary, the available evidence is currently insufficient to determine the role of this variant in disease. Therefore, it has been classified as a Variant of Uncertain Significance.